The following is an entry in ClinVar:

ClinVar aggregate classification (germline): Uncertain significance (1 of 4 stars; one submission).

Submission:

Labcorp Genetics (formerly Invitae), Labcorp
Classification: Uncertain significance. Last evaluated: 2021-09-14. Review status: criteria provided, single submitter. Criteria: Invitae Variant Classification Sherloc (09022015). Collection method: clinical testing. Allele origin: germline.
Comment: This variant has not been reported in the literature in individuals affected with KMT2B-related conditions. In summary, the available evidence is currently insufficient to determine the role of this variant in disease. Therefore, it has been classified as a Variant of Uncertain Significance. Variants that disrupt the consensus splice site are a relatively common cause of aberrant splicing (PMID: 17576681, 9536098). Algorithms developed to predict the effect of sequence changes on RNA splicing suggest that this variant may disrupt the consensus splice site. This variant is not present in population databases (ExAC no frequency). This sequence change falls in intron 21 of the KMT2B gene. It does not directly change the encoded amino acid sequence of the KMT2B protein. It affects a nucleotide within the consensus splice site of the intron.

Literature cited by the submitters: PubMed 17576681; PubMed 9536098.

NM_014727.3(KMT2B):c.4780-3C>A

Gene: KMT2B (lysine methyltransferase 2B; plus strand). Cytogenetic location: 19q13.12.
Variant type: single nucleotide variant.
Coding change: c.4780-3C>A on transcript NM_014727.3 (MANE Select); 3 bases into the intron before coding-DNA position 4780, C replaced by A.
Molecular consequence: intron variant.
Genome position (GRCh38, 1-based): chr19:35,729,156, C>A. VCF-style: chr19-35729156-C-A. GRCh37 (hg19) VCF-style: chr19-36220057-C-A.
Identifiers: ClinVar variation 1416057 (VCV001416057.6), dbSNP rs2146459613, ClinGen allele CA2573156251.